The following is an entry in ClinVar:

NM_006019.4(TCIRG1):c.390del (p.Val131fs)

Gene: TCIRG1 (T cell immune regulator 1, ATPase H+ transporting V0 subunit a3; plus strand). Cytogenetic location: 11q13.2.
Variant type: Deletion.
Coding change: c.390del on transcript NM_006019.4 (MANE Select); coding-DNA position 390, one base deleted (C; older notation c.390delC).
Protein change: p.Val131fs; shifts the reading frame from valine 131.
Molecular consequence: frameshift variant. On other transcripts: 5 prime UTR variant (1).
Genome position (GRCh38, 1-based): chr11:68,042,836, C deleted; the last of 2 consecutive C bases (chr11:68,042,835-68,042,836); deleting either gives the same sequence. VCF-style (leftmost placement, unchanged base first): chr11-68042834-GC-G. GRCh37 (hg19) VCF-style: chr11-67810301-GC-G.
Other names: c.-860del (NM_001351059.2); c.390del (NM_006019.3); short protein forms V131fs.
Identifiers: ClinVar variation 2679129 (VCV002679129.3), dbSNP rs2495615976, ClinGen allele CA2574899320.
Genomic context (GRCh38, chr11:68,042,834, plus strand): 5'-GATGTGCGGGGCAACCAGCAGGCCCTGCGGGCCCAGCTGCACCAGCTGCAGCTCCACGCC[GC>G]CGTGCTACGCCAGGGCCATGAACCTCAGGTCAGCTCCCACCCAGGCAGGAGACTGGGGGG-3'

ClinVar aggregate classification (germline): Likely pathogenic. Review status: criteria provided, multiple submitters, no conflicts (2 of 4 stars). 3 submissions from 3 submitters: Likely pathogenic (3). Last evaluated 2025-09-25.

Conditions:
Autosomal recessive osteopetrosis 1. Also called: ALBERS-SCHONBERG DISEASE, AUTOSOMAL RECESSIVE; TCIRG1-Related Autosomal Recessive Osteopetrosis; TCIRG1-Related Osteopetrosis. Identifiers: Orphanet 667, MedGen C1850127, MONDO:0009815, OMIM 259700.

Submissions (3):

Natera, Inc.
Classification: Likely pathogenic for Infantile malignant osteopetrosis. Last evaluated: 2025-09-25. Review status: criteria provided, single submitter. Criteria: Natera Variant Classification Schema (03/2026). Collection method: clinical testing. Allele origin: germline.
Comment: The c.390del variant in TCIRG1 is a frameshift variant predicted to shift the reading frame beginning at codon 131 and leads to a stop codon 35 codons downstream. This variant is expected to result in nonsense mediated decay, truncation, or a dysfunctional protein product. This variant is rare in the general population with a frequency below the threshold expected for the associated phenotype(s). Given the available evidence, this variant is classified as Likely Pathogenic.

Fulgent Genetics
Classification: Likely pathogenic for Autosomal recessive osteopetrosis 1. Last evaluated: 2024-02-09. Review status: criteria provided, single submitter. Criteria: ACMG Guidelines, 2015. Collection method: clinical testing. Allele origin: germline.

Baylor Genetics
Classification: Likely pathogenic for Autosomal recessive osteopetrosis 1. Last evaluated: 2023-01-24. Review status: criteria provided, single submitter. Criteria: ACMG Guidelines, 2015. Collection method: clinical testing. Allele origin: unknown.